The following is an entry in ClinVar:

ClinVar aggregate classification (germline): Benign/Likely benign. Review status: criteria provided, multiple submitters, no conflicts (2 of 4 stars). 6 submissions from 6 submitters: Benign (3); Likely benign (3). Last evaluated 2026-06-01.

Conditions:
Hereditary cancer-predisposing syndrome. Also called: Hereditary Cancer Syndrome; Neoplastic Syndromes, Hereditary; Hereditary neoplastic syndrome; Tumor predisposition. Identifiers: Orphanet 140162, MedGen C0027672, MeSH D009386, MONDO:0015356.
EGFR-related lung cancer (EGFR). Identifiers: MedGen CN130014.

Allele frequency attached by ClinVar (database versions not stated): ESP Exome Variant Server 0.00008; gnomAD exomes 0.00076 and 0.00188; ExAC 0.00147; TOPMed 0.00227; gnomAD 0.00289 and 0.00293; 1000 Genomes Project 30x 0.00375; 1000 Genomes Project 0.00379.
gnomAD v4.1: 1,569 of 1,614,192 alleles (0.097%); highest among the groups gnomAD compares: Admixed American, 1.1%; 14 homozygotes.

Submissions (6):

CeGaT Center for Human Genetics Tuebingen
Classification: Likely benign. Last evaluated: 2026-06-01. Review status: criteria provided, single submitter. Criteria: CeGaT Center For Human Genetics Tuebingen Variant Classification Criteria Version 2. Collection method: clinical testing. Allele origin: germline. Affected: yes. Observed: 16 variant alleles.
Comment: EGFR: BP4, BP7, BS1

Labcorp Genetics (formerly Invitae), Labcorp
Classification: Benign for EGFR-related lung cancer. Last evaluated: 2026-02-03. Review status: criteria provided, single submitter. Criteria: Invitae Variant Classification Sherloc (09022015). Collection method: clinical testing. Allele origin: germline.

ARUP Laboratories, Molecular Genetics and Genomics, ARUP Laboratories
Classification: Likely benign. Last evaluated: 2025-03-26. Review status: criteria provided, single submitter. Criteria: ARUP Molecular Germline Variant Investigation Process 2024. Collection method: clinical testing. Allele origin: germline.

Ambry Genetics
Classification: Likely benign for Hereditary cancer-predisposing syndrome. Last evaluated: 2024-08-09. Review status: criteria provided, single submitter. Criteria: Ambry Variant Classification Scheme 2023. Collection method: clinical testing. Allele origin: germline.

Sema4
Classification: Benign for Hereditary cancer-predisposing syndrome. Last evaluated: 2021-02-24. Review status: criteria provided, single submitter. Criteria: Sema4 Curation Guidelines. Collection method: curation. Allele origin: germline.

Breakthrough Genomics
Classification: Benign. Review status: criteria provided, single submitter. Criteria: ACMG Guidelines, 2015. Collection method: not provided. Allele origin: germline. Inheritance: Autosomal recessive inheritance. Affected: yes.

NM_005228.5(EGFR):c.1119G>A (p.Pro373=)

Genes: EGFR (epidermal growth factor receptor; plus strand), LOC126860048 (P300/CBP strongly-dependent group 1 enhancer GRCh37_chr7:55223847-55225046; plus strand). Cytogenetic location: 7p11.2.
Variant type: single nucleotide variant.
Coding change: c.1119G>A on transcript NM_005228.5 (MANE Select); coding-DNA position 1119, G replaced by A.
Protein change: p.Pro373=; no amino-acid change (proline 373 retained).
Molecular consequence: synonymous variant.
Genome position (GRCh38, 1-based): chr7:55,156,645, G>A. VCF-style: chr7-55156645-G-A. GRCh37 (hg19) VCF-style: chr7-55224338-G-A.
Other names: c.984G>A, p.Pro328= (NM_001346897.2, NM_001346899.2); c.1119G>A, p.Pro373= (NM_001346898.2, NM_201282.2, NM_201283.2 and 1 more transcripts); c.960G>A, p.Pro320= (NM_001346900.2); c.318G>A, p.Pro106= (NM_001346941.2).
Identifiers: ClinVar variation 731522 (VCV000731522.38), dbSNP rs2302536, ClinGen allele CA4265476.